The following is an entry in ClinVar:

ClinVar aggregate classification (germline): Uncertain significance (1 of 4 stars; one submission).

Conditions:
Long QT syndrome (LQTS). Identifiers: MedGen C0023976, MeSH D008133, MONDO:0002442. Disease mechanism: loss of function. Inheritance: Various modes of inheritance.

Submission:

Labcorp Genetics (formerly Invitae), Labcorp
Classification: Uncertain significance for Long QT syndrome. Last evaluated: 2020-11-13. Review status: criteria provided, single submitter. Criteria: Invitae Variant Classification Sherloc (09022015). Collection method: clinical testing. Allele origin: germline.
Comment: This sequence change replaces serine with arginine at codon 2034 of the CACNA1C protein (p.Ser2034Arg). The serine residue is moderately conserved and there is a moderate physicochemical difference between serine and arginine. The frequency data for this variant in the population databases is considered unreliable, as metrics indicate insufficient coverage at this position in the ExAC database. This variant has been observed in individual(s) with clinical features of CACNA1C-related conditions (Invitae). Algorithms developed to predict the effect of missense changes on protein structure and function are either unavailable or do not agree on the potential impact of this missense change (SIFT: "Tolerated"; PolyPhen-2: "Possibly Damaging"; Align-GVGD: "Class C0"). In summary, the available evidence is currently insufficient to determine the role of this variant in disease. Therefore, it has been classified as a Variant of Uncertain Significance.

NM_000719.7(CACNA1C):c.6102C>A (p.Ser2034Arg)

Genes: CACNA1C (calcium voltage-gated channel subunit alpha1 C; plus strand), CACNA1C-AS1 (CACNA1C antisense RNA 1; minus strand). Cytogenetic location: 12p13.33.
Variant type: single nucleotide variant.
Coding change: c.6102C>A on transcript NM_000719.7 (MANE Select); coding-DNA position 6102, C replaced by A.
Protein change: p.Ser2034Arg; replaces serine 2034 with arginine.
Molecular consequence: missense variant.
Genome position (GRCh38, 1-based): chr12:2,688,764, C>A. VCF-style: chr12-2688764-C-A. GRCh37 (hg19) VCF-style: chr12-2797930-C-A.
Other names: c.6246C>A, p.Ser2082Arg (NM_001129827.2); c.6225C>A, p.Ser2075Arg (NM_001129829.2); c.6207C>A, p.Ser2069Arg (NM_001129830.3, NM_001167624.3); c.6186C>A, p.Ser2062Arg (NM_001129831.2); c.6162C>A, p.Ser2054Arg (NM_001129832.2); c.6159C>A, p.Ser2053Arg (NM_001129833.2, NM_001129834.2, NM_001129835.2); c.6153C>A, p.Ser2051Arg (NM_001129836.2); c.6126C>A, p.Ser2042Arg (NM_001129837.2, NM_001129838.2); and 6 more; short protein forms S2031R, S2034R, S2051R, S2053R, S2082R, S2094R, S2117R, S2042R.
Identifiers: ClinVar variation 1484045 (VCV001484045.8), dbSNP rs2153867804, ClinGen allele CA383385484.